The following is an entry in ClinVar:

ClinVar aggregate classification (germline): Pathogenic/Likely pathogenic. Review status: criteria provided, multiple submitters, no conflicts (2 of 4 stars). 5 submissions from 5 submitters: Pathogenic (2); Likely pathogenic (3). Last evaluated 2026-07-02.

Conditions:
CYP27A1-related disorder. Also called: CYP27A1-related condition.
Cholestanol storage disease (CTX). Also called: CEREBRAL CHOLESTERINOSIS; CTX: Cerebrotendinous xanthomatosis; Cerebrotendinous Xanthomatosis. Identifiers: Orphanet 909, MedGen C0238052, MONDO:0008948, OMIM 213700.

Submissions (5):

PreventionGenetics, part of Exact Sciences
Classification: Likely pathogenic for CYP27A1-related condition. Last evaluated: 2026-07-02. Review status: criteria provided, single submitter. Criteria: ACMG Guidelines, 2015. Collection method: clinical testing. Allele origin: germline.
Comment: The CYP27A1 c.67dupC variant is predicted to result in a frameshift and premature protein termination (p.His23Profs*158). To our knowledge, this variant has not been reported in the literature. This variant is reported in 0.0040% of alleles in individuals of Latino descent in gnomAD. Frameshift variants in CYP27A1 are expected to be pathogenic. This variant is interpreted as likely pathogenic.

Labcorp Genetics (formerly Invitae), Labcorp
Classification: Pathogenic for Cholestanol storage disease. Last evaluated: 2025-10-01. Review status: criteria provided, single submitter. Criteria: Invitae Variant Classification Sherloc (09022015). Collection method: clinical testing. Allele origin: germline.
Comment: This sequence change creates a premature translational stop signal (p.His23Profs*158) in the CYP27A1 gene. It is expected to result in an absent or disrupted protein product. Loss-of-function variants in CYP27A1 are known to be pathogenic (PMID: 9392430, 10775536, 26937392). This variant is present in population databases (no rsID available, gnomAD 0.004%). This variant has not been reported in the literature in individuals affected with CYP27A1-related conditions. ClinVar contains an entry for this variant (Variation ID: 817356). For these reasons, this variant has been classified as Pathogenic.

Natera, Inc.
Classification: Likely pathogenic for Cerebrotendinous xanthomatosis. Last evaluated: 2025-02-27. Review status: criteria provided, single submitter. Criteria: Natera Variant Classification Schema (03/2026). Collection method: clinical testing. Allele origin: germline.
Comment: The c.67dupC variant in CYP27A1 is a frameshift variant predicted to shift the reading frame beginning at codon 23 and leads to a stop codon 158 codons downstream. This variant is expected to result in nonsense mediated decay, truncation, or a dysfunctional protein product. This variant is rare in the general population with a frequency below the threshold expected for the associated phenotype(s). Given the available evidence, this variant is classified as Likely Pathogenic.

Baylor Genetics
Classification: Pathogenic for Cholestanol storage disease. Last evaluated: 2023-12-14. Review status: criteria provided, single submitter. Criteria: ACMG Guidelines, 2015. Collection method: clinical testing. Allele origin: unknown.

GeneDx
Classification: Likely pathogenic. Last evaluated: 2018-12-07. Review status: criteria provided, single submitter. Criteria: GeneDx Variant Classification (06012015). Collection method: clinical testing. Allele origin: germline. Affected: yes.
Comment: The c.67dupC variant has not been published as a pathogenic variant, nor has it been reported as a benign variant to our knowledge. The c.67dupC variant causes a frameshift starting with codon Histidine 23, changes this amino acid to a Proline residue and creates a premature Stop codon at position 158 of the new reading frame, denoted p.His23ProfsX158. This variant is predicted to cause loss of normal protein function either through protein truncation or nonsense-mediated mRNA decay. Furthermore, the c.67dupC variant is not observed at a significant frequency in large population cohorts (Lek et al., 2016). Therefore, this variant is likely pathogenic; however, the possibility that it is benign cannot be excluded.

Literature cited by the submitters: PubMed 9392430 (cited by Labcorp Genetics (formerly Invitae), Labcorp); PubMed 10775536 (cited by Labcorp Genetics (formerly Invitae), Labcorp); PubMed 26937392 (cited by Labcorp Genetics (formerly Invitae), Labcorp).

NM_000784.4(CYP27A1):c.67dup (p.His23fs)

Gene: CYP27A1 (cytochrome P450 family 27 subfamily A member 1; plus strand). Cytogenetic location: 2q35.
Variant type: Duplication.
Coding change: c.67dup on transcript NM_000784.4 (MANE Select); coding-DNA position 67, one base duplicated (C; older notation c.67dupC).
Protein change: p.His23fs; shifts the reading frame from histidine 23.
Molecular consequence: frameshift variant.
Genome position (GRCh38, 1-based): chr2:218,782,249, C duplicated; the last of 5 consecutive C bases (chr2:218,782,245-218,782,249); duplicating any one gives the same sequence. VCF-style (leftmost placement, unchanged base first): chr2-218782244-G-GC. GRCh37 (hg19) VCF-style: chr2-219646967-G-GC.
Other names: c.67dup (NM_000784.3); short protein forms H23fs.
Identifiers: ClinVar variation 817356 (VCV000817356.12), dbSNP rs1559384522, ClinGen allele CA539840500.